The following is an entry in ClinVar:

ClinVar aggregate classification (germline): Conflicting classifications of pathogenicity. Review status: criteria provided, conflicting classifications (1 of 4 stars). 5 submissions from 5 submitters: Uncertain significance (3); Likely benign (1). 1 of the submissions does not count toward it. Last evaluated 2025-12-22.

Conditions:
POLE-related disorder. Also called: POLE-related disorders; POLE-related condition.
Colorectal cancer, susceptibility to, 12 (CRCS12). Also called: COLORECTAL CANCER, SUSCEPTIBILITY TO, ON CHROMOSOME 12q24. Identifiers: Orphanet 220460, MedGen C3554460, MONDO:0014038, OMIM 615083.
Hereditary cancer-predisposing syndrome. Also called: Hereditary Cancer Syndrome; Tumor predisposition; Neoplastic Syndromes, Hereditary; Hereditary neoplastic syndrome. Identifiers: Orphanet 140162, MedGen C0027672, MeSH D009386, MONDO:0015356.

Allele frequency attached by ClinVar (database versions not stated): TOPMed below 0.00001; ExAC 0.00001; gnomAD 0.00001; gnomAD exomes 0.00001 and 0.00002.
gnomAD v4.1: 12 of 1,599,610 alleles (0.00075%); highest among the groups gnomAD compares: Admixed American, 0.0035%; no homozygotes.

Submissions (5):

Labcorp Genetics (formerly Invitae), Labcorp
Classification: Uncertain significance. Last evaluated: 2025-12-22. Review status: criteria provided, single submitter. Criteria: Invitae Variant Classification Sherloc (09022015). Collection method: clinical testing. Allele origin: germline.
Comment: This sequence change replaces arginine, which is basic and polar, with histidine, which is basic and polar, at codon 1679 of the POLE protein (p.Arg1679His). The frequency data for this variant in the population databases is considered unreliable, as metrics indicate poor data quality at this position in the gnomAD database. This variant has not been reported in the literature in individuals affected with POLE-related conditions. ClinVar contains an entry for this variant (Variation ID: 863960). Invitae Evidence Modeling of protein sequence and biophysical properties (such as structural, functional, and spatial information, amino acid conservation, physicochemical variation, residue mobility, and thermodynamic stability) indicates that this missense variant is not expected to disrupt POLE protein function with a negative predictive value of 80%. In summary, the available evidence is currently insufficient to determine the role of this variant in disease. Therefore, it has been classified as a Variant of Uncertain Significance.

Ambry Genetics
Classification: Likely benign for Hereditary cancer-predisposing syndrome. Last evaluated: 2025-01-27. Review status: criteria provided, single submitter. Criteria: Ambry Variant Classification Scheme 2023. Collection method: clinical testing. Allele origin: germline.

GeneDx
Classification: Uncertain significance. Last evaluated: 2020-10-23. Review status: criteria provided, single submitter. Criteria: GeneDx Variant Classification Process June 2021. Collection method: clinical testing. Allele origin: germline. Affected: yes.
Comment: Not observed at a significant frequency in large population cohorts (Lek et al., 2016); In silico analysis supports that this missense variant has a deleterious effect on protein structure/function; Has not been previously published as pathogenic or benign to our knowledge

Neuberg Centre For Genomic Medicine, NCGM
Classification: Uncertain significance for Colorectal cancer, susceptibility to, 12. Review status: criteria provided, single submitter. Criteria: ACMG Guidelines, 2015. Collection method: clinical testing. Allele origin: germline. Inheritance: Autosomal dominant inheritance. Affected: yes.
Comment: The missense variant c.5036G>A (p.Arg1679His) in POLE gene has not been reported previously as a pathogenic variant nor as a benign variant, to our knowledge. This variant has been reported to the ClinVar database as Uncertain Significance. The p.Arg1679His variant is novel (not in any individuals) in 1000 Genomes and allele frequency of 0.001855% is reported in gnomAD. The amino acid Arg at position 1679 is changed to a His changing protein sequence and it might alter its composition and physico-chemical properties. The amino acid change p.Arg1679His in POLE is predicted as conserved by GERP++ and PhyloP across 100 vertebrates. For these reasons, this variant has been classified as Uncertain Significance.

PreventionGenetics, part of Exact Sciences
Classification: Uncertain significance for POLE-related condition. Last evaluated: 2024-08-16. Review status: no assertion criteria provided. Collection method: clinical testing. Allele origin: germline. Not counted in ClinVar's aggregate classification.
Comment: The POLE c.5036G>A variant is predicted to result in the amino acid substitution p.Arg1679His. To our knowledge, this variant has not been reported in the literature. This variant is reported in 0.0040% of alleles in individuals of African descent in gnomAD and is interpreted as uncertain in ClinVar. At this time, the clinical significance of this variant is uncertain due to the absence of conclusive functional and genetic evidence.

NM_006231.4(POLE):c.5036G>A (p.Arg1679His)

Gene: POLE (DNA polymerase epsilon, catalytic subunit; minus strand). Cytogenetic location: 12q24.33.
Variant type: single nucleotide variant.
Coding change: c.5036G>A on transcript NM_006231.4 (MANE Select); coding-DNA position 5036, G replaced by A.
Protein change: p.Arg1679His; replaces arginine 1679 with histidine.
Molecular consequence: missense variant.
Genome position (GRCh38, 1-based): chr12:132,642,314, C>T on the plus strand (G>A on the coding strand, the complement: POLE is on the minus strand). VCF-style: chr12-132642314-C-T. GRCh37 (hg19) VCF-style: chr12-133218900-C-T.
Other names: short protein forms R1679H.
Identifiers: ClinVar variation 863960 (VCV000863960.13), dbSNP rs748940418, ClinGen allele CA6892637.
Genomic context (GRCh38, chr12:132,642,314, plus strand): 5'-GCCTCCTTTCCACCCAGGTCAGGGCGGGCTGTAGGGGACAGCCAGAGCAGGTGGTTGTGG[C>T]GCTGGAGGTGGCGGGCAAAGAAGAGGTCGGAGCCGAATGTGGAGATGTCCTCTGGTAGGT-3'
Protein context (NP_006222.2, residues 1669-1689): SDLFFARHLQ[Arg1679His]HNHLLWLSPT